The following is an entry in ClinVar:

NM_133372.3(FNIP1):c.530C>T (p.Thr177Met)

Gene: FNIP1 (folliculin interacting protein 1; minus strand). Cytogenetic location: 5q31.1.
Variant type: single nucleotide variant.
Coding change: c.530C>T on transcript NM_133372.3 (MANE Select); coding-DNA position 530, C replaced by T.
Protein change: p.Thr177Met; replaces threonine 177 with methionine.
Molecular consequence: missense variant.
Genome position (GRCh38, 1-based): chr5:131,718,986, G>A on the plus strand (C>T on the coding strand, the complement: FNIP1 is on the minus strand). VCF-style: chr5-131718986-G-A. GRCh37 (hg19) VCF-style: chr5-131054679-G-A.
Other names: c.530C>T, p.Thr177Met (NM_001008738.3, NM_001346113.2); c.395C>T, p.Thr132Met (NM_001346114.2); short protein forms T132M, T177M.
Identifiers: ClinVar variation 1933272 (VCV001933272.2), dbSNP rs778063141, ClinGen allele CA3400917.

ClinVar aggregate classification (germline): Uncertain significance (1 of 4 stars; one submission).

Allele frequency attached by ClinVar (database versions not stated): gnomAD exomes 0.00002; ExAC 0.00003; gnomAD 0.00003; TOPMed 0.00004.
gnomAD v4.1: 35 of 1,612,122 alleles (0.0022%); highest among the groups gnomAD compares: East Asian, 0.0045%; no homozygotes.

Submission:

Labcorp Genetics (formerly Invitae), Labcorp
Classification: Uncertain significance. Last evaluated: 2022-08-21. Review status: criteria provided, single submitter. Criteria: Invitae Variant Classification Sherloc (09022015). Collection method: clinical testing. Allele origin: germline.
Comment: This sequence change replaces threonine, which is neutral and polar, with methionine, which is neutral and non-polar, at codon 177 of the FNIP1 protein (p.Thr177Met). This variant is present in population databases (rs778063141, gnomAD 0.06%). This variant has not been reported in the literature in individuals affected with FNIP1-related conditions. Algorithms developed to predict the effect of missense changes on protein structure and function are either unavailable or do not agree on the potential impact of this missense change (SIFT: "Deleterious"; PolyPhen-2: "Probably Damaging"; Align-GVGD: "Class C0"). In summary, the available evidence is currently insufficient to determine the role of this variant in disease. Therefore, it has been classified as a Variant of Uncertain Significance.